The following is an entry in ClinVar:

ClinVar aggregate classification (germline): Conflicting classifications of pathogenicity. Review status: criteria provided, conflicting classifications (1 of 4 stars). 3 submissions from 3 submitters: Uncertain significance (1); Likely benign (1). 1 of the submissions does not count toward it. Last evaluated 2024-10-23.

Conditions:
CFTR-related disorder (CFTR-RD). Also called: CFTR-related disorders; CFTR-related condition. Identifiers: MedGen C5924204, MONDO:7770004.

Submissions (3):

Mayo Clinic Laboratories, Mayo Clinic
Classification: Likely benign. Last evaluated: 2024-10-23. Review status: criteria provided, single submitter. Criteria: ACMG Guidelines, 2015. Collection method: clinical testing. Allele origin: germline. Observed: 1 variant allele.
Comment: PM2_supporting

Women's Health and Genetics/Laboratory Corporation of America, LabCorp
Classification: Uncertain significance. Last evaluated: 2023-03-21. Review status: criteria provided, single submitter. Criteria: LabCorp Variant Classification Summary - May 2015. Collection method: clinical testing. Allele origin: germline.
Comment: Variant summary: CFTR c.3873+28dupA is located at a position not widely known to affect splicing. One in-silico tool predicts a neutral effect of the variant on protein function. The variant allele was found at a frequency of 8e-05 in 248708 control chromosomes (gnomAD), predominantly in the non-Finnish European subpopulation with a frequency of 0.00012. This frequency is not higher than the estimated maximum expected for a pathogenic variant in CFTR causing Chronic Pancreatitis Risk (0.0063), allowing no conclusion about variant significance. To our knowledge, no occurrence of c.3873+28dupA in individuals affected with Chronic Pancreatitis Risk and no experimental evidence demonstrating its impact on protein function have been reported. No clinical diagnostic laboratories have submitted clinical-significance assessments for this variant to ClinVar after 2014. Based on the evidence outlined above, the variant was classified as uncertain significance.

PreventionGenetics, part of Exact Sciences
Classification: Likely benign for CFTR-related condition. Last evaluated: 2022-01-13. Review status: no assertion criteria provided. Collection method: clinical testing. Allele origin: germline. Not counted in ClinVar's aggregate classification.
Comment: This variant is classified as likely benign based on ACMG/AMP sequence variant interpretation guidelines (Richards et al. 2015 PMID: 25741868, with internal and published modifications).

Literature cited by the submitters: PubMed 10746558 (cited by Women's Health and Genetics/Laboratory Corporation of America, LabCorp).

NM_000492.4(CFTR):c.3873+28dup

Genes: CFTR (CF transmembrane conductance regulator; plus strand), CFTR-AS2 (CFTR antisense RNA 2; minus strand). Cytogenetic location: 7q31.2.
Variant type: Duplication.
Coding change: c.3873+28dup on transcript NM_000492.4 (MANE Select); 28 bases into the intron after coding-DNA position 3873, one base duplicated (A; older notation c.3873+28dupA).
Molecular consequence: intron variant.
Genome position (GRCh38, 1-based): chr7:117,642,621, A duplicated; the last of 6 consecutive A bases (chr7:117,642,616-117,642,621); duplicating any one gives the same sequence. VCF-style (leftmost placement, unchanged base first): chr7-117642615-G-GA. GRCh37 (hg19) VCF-style: chr7-117282669-G-GA.
Other names: p.=.
Identifiers: ClinVar variation 2501080 (VCV002501080.4), dbSNP rs751189785, ClinGen allele CA4451564.
Genomic context (GRCh38, chr7:117,642,615, plus strand): 5'-TTGCAACAGTGGAGGAAAGCCTTTGGAGTGATACCACAGGTGAGCAAAAGGACTTAGCCA[G>GA]AAAAAAGGCAACTAAATTATATTTTTTACTGCTATTTGATACTTGTACTCAAGAAATTCA-3'